The following is an entry in ClinVar:

ClinVar aggregate classification (germline): Uncertain significance (1 of 4 stars; one submission).

Conditions:
Inborn genetic diseases. Identifiers: MedGen C0950123, MeSH D030342.

gnomAD v4.1: 2 of 1,614,190 alleles (0.00012%); highest among the groups gnomAD compares: Non-Finnish European, 0.00017%; no homozygotes.

Submission:

Ambry Genetics
Classification: Uncertain significance for Inborn genetic diseases. Last evaluated: 2025-03-31. Review status: criteria provided, single submitter. Criteria: Ambry Variant Classification Scheme 2023. Collection method: clinical testing. Allele origin: germline.
Comment: The p.D252A variant (also known as c.755A>C), located in coding exon 8 of the FANCA gene, results from an A to C substitution at nucleotide position 755. The aspartic acid at codon 252 is replaced by alanine, an amino acid with dissimilar properties. This amino acid position is conserved. In addition, this alteration is predicted to be tolerated by in silico analysis. Based on the available evidence, the clinical significance of this variant remains unclear.

NM_000135.4(FANCA):c.755A>C (p.Asp252Ala)

Gene: FANCA (FA complementation group A; minus strand). Cytogenetic location: 16q24.3.
Variant type: single nucleotide variant.
Coding change: c.755A>C on transcript NM_000135.4 (MANE Select); coding-DNA position 755, A replaced by C.
Protein change: p.Asp252Ala; replaces aspartic acid 252 with alanine.
Molecular consequence: missense variant.
Genome position (GRCh38, 1-based): chr16:89,803,296, T>G on the plus strand (A>C on the coding strand, the complement: FANCA is on the minus strand). VCF-style: chr16-89803296-T-G. GRCh37 (hg19) VCF-style: chr16-89869704-T-G.
Other names: c.755A>C, p.Asp252Ala (NM_001018112.3, NM_001286167.3); c.659A>C, p.Asp220Ala (NM_001351830.2); short protein forms D220A, D252A.
Identifiers: ClinVar variation 4022137 (VCV004022137.1).